The following is an entry in ClinVar:

NM_032578.4(MYPN):c.3075+5_3075+13del

Genes: MYPN (myopalladin; plus strand), LOC132089829 (Neanderthal introgressed variant-containing enhancer experimental_16132; plus strand). Cytogenetic location: 10q21.3.
Variant type: Deletion.
Coding change: c.3075+5_3075+13del on transcript NM_032578.4 (MANE Select); bases 5 to 13 of the intron after coding-DNA position 3075, 9 bases deleted (AGACGCAGG; older notation c.3075+5_3075+13delAGACGCAGG).
Molecular consequence: intron variant.
Genome position (GRCh38, 1-based): chr10:68,194,517-68,194,525, AGACGCAGG deleted; deleting any 9 consecutive bases within chr10:68,194,515-68,194,525 gives the same sequence; the c. name uses the placement nearest the transcript's 3' end. VCF-style (leftmost placement, unchanged base first): chr10-68194514-TGGAGACGCA-T. GRCh37 (hg19) VCF-style: chr10-69954271-TGGAGACGCA-T.
Other names: c.3075+5_3075+13delAGACGCAGG (NM_032578.3, NM_032578.4); c.3075+5_3075+13del (NM_001256267.2); c.2193+5_2193+13del (NM_001256268.2).
Identifiers: ClinVar variation 220771 (VCV000220771.23), dbSNP rs864622652, ClinGen allele CA349977.

ClinVar aggregate classification (germline): Benign/Likely benign. Review status: criteria provided, multiple submitters, no conflicts (2 of 4 stars). 8 submissions from 8 submitters: Benign (1); Likely benign (4). 3 of the submissions do not count toward it. Last evaluated 2025-12-08.

Conditions:
Dilated cardiomyopathy 1KK (CMD1KK). Identifiers: Orphanet 154, Orphanet 75249, MedGen C3714995, MONDO:0014100, OMIM 615248.
Cardiovascular phenotype. Identifiers: MedGen CN230736.

Submissions (8):

Labcorp Genetics (formerly Invitae), Labcorp
Classification: Likely benign for Dilated cardiomyopathy 1KK. Last evaluated: 2025-12-08. Review status: criteria provided, single submitter. Criteria: Invitae Variant Classification Sherloc (09022015). Collection method: clinical testing. Allele origin: germline.

Blueprint Genetics
Classification: Likely benign. Last evaluated: 2024-05-06. Review status: criteria provided, single submitter. Criteria: ACMG Guidelines, 2015. Collection method: clinical testing. Allele origin: germline.

Women's Health and Genetics/Laboratory Corporation of America, LabCorp
Classification: Benign. Last evaluated: 2024-01-01. Review status: criteria provided, single submitter. Criteria: LabCorp Variant Classification Summary - May 2015. Collection method: clinical testing. Allele origin: germline.

GeneDx
Classification: Likely benign. Last evaluated: 2023-03-15. Review status: criteria provided, single submitter. Criteria: GeneDx Variant Classification Process June 2021. Collection method: clinical testing. Allele origin: germline. Affected: yes.
Comment: See Variant Classification Assertion Criteria.

Ambry Genetics
Classification: Likely benign for Cardiovascular phenotype. Last evaluated: 2020-04-20. Review status: criteria provided, single submitter. Criteria: Ambry Variant Classification Scheme 2023. Collection method: clinical testing. Allele origin: germline.

Clinical Genetics, Academic Medical Center
Classification: Benign. Review status: no assertion criteria provided. Collection method: clinical testing. Allele origin: germline. Affected: yes. Study: VKGL Data-share Consensus. Not counted in ClinVar's aggregate classification.

Diagnostic Laboratory, Department of Genetics, University Medical Center Groningen
Classification: Likely benign. Review status: no assertion criteria provided. Collection method: clinical testing. Allele origin: germline. Affected: yes. Study: VKGL Data-share Consensus. Not counted in ClinVar's aggregate classification.

Joint Genome Diagnostic Labs from Nijmegen and Maastricht, Radboudumc and MUMC+
Classification: Likely benign. Review status: no assertion criteria provided. Collection method: clinical testing. Allele origin: germline. Affected: yes. Study: VKGL Data-share Consensus. Not counted in ClinVar's aggregate classification.